The following is an entry in ClinVar:

NM_006269.2(RP1):c.1333C>T (p.Arg445Cys)

Gene: RP1 (RP1 axonemal microtubule associated; plus strand). Cytogenetic location: 8q12.1.
Variant type: single nucleotide variant.
Coding change: c.1333C>T on transcript NM_006269.2 (MANE Select); coding-DNA position 1333, C replaced by T.
Protein change: p.Arg445Cys; replaces arginine 445 with cysteine.
Molecular consequence: missense variant. On other transcripts: intron variant (1).
Genome position (GRCh38, 1-based): chr8:54,625,215, C>T. VCF-style: chr8-54625215-C-T. GRCh37 (hg19) VCF-style: chr8-55537775-C-T.
Other names: c.787+2927C>T (NM_001375654.1); short protein forms R445C.
Identifiers: ClinVar variation 866438 (VCV000866438.8), dbSNP rs575855591, ClinGen allele CA4751358.

ClinVar aggregate classification (germline): Uncertain significance. Review status: criteria provided, multiple submitters, no conflicts (2 of 4 stars). 2 submissions from 2 submitters: Uncertain significance (2). Last evaluated 2023-10-03.

Conditions:
Inborn genetic diseases. Identifiers: MedGen C0950123, MeSH D030342.

Allele frequency attached by ClinVar (database versions not stated): gnomAD 0.00001; gnomAD exomes 0.00001; TOPMed 0.00001; ExAC 0.00002; 1000 Genomes Project 30x 0.00016; 1000 Genomes Project 0.00020.
gnomAD v4.1: 20 of 1,614,092 alleles (0.0012%); highest among the groups gnomAD compares: South Asian, 0.0022%; no homozygotes.

Submissions (2):

Labcorp Genetics (formerly Invitae), Labcorp
Classification: Uncertain significance. Last evaluated: 2023-10-03. Review status: criteria provided, single submitter. Criteria: Invitae Variant Classification Sherloc (09022015). Collection method: clinical testing. Allele origin: germline.
Comment: This sequence change replaces arginine, which is basic and polar, with cysteine, which is neutral and slightly polar, at codon 445 of the RP1 protein (p.Arg445Cys). This variant is present in population databases (rs575855591, gnomAD 0.006%). This variant has not been reported in the literature in individuals affected with RP1-related conditions. ClinVar contains an entry for this variant (Variation ID: 866438). An algorithm developed to predict the effect of missense changes on protein structure and function (PolyPhen-2) suggests that this variant is likely to be disruptive. In summary, the available evidence is currently insufficient to determine the role of this variant in disease. Therefore, it has been classified as a Variant of Uncertain Significance.

Ambry Genetics
Classification: Uncertain significance for Inborn genetic diseases. Last evaluated: 2021-09-27. Review status: criteria provided, single submitter. Criteria: Ambry Variant Classification Scheme 2023. Collection method: clinical testing. Allele origin: germline.